The following is an entry in ClinVar:

ClinVar aggregate classification (germline): Conflicting classifications of pathogenicity. Review status: criteria provided, conflicting classifications (1 of 4 stars). 8 submissions from 8 submitters: Uncertain significance (7); Likely benign (1). Last evaluated 2026-06-13.

Conditions:
Birt-Hogg-Dube syndrome 1 (BHD1). Also called: FIBROFOLLICULOMAS WITH TRICHODISCOMAS AND ACROCHORDONS. Identifiers: Orphanet 122, MedGen CN375946, MONDO:0800445, OMIM 135150.
FLCN-related disorder. Also called: FLCN-related condition.
Familial spontaneous pneumothorax (PSP). Identifiers: Orphanet 2903, MedGen C1868193, MONDO:0008259, OMIM 173600.
Nonpapillary renal cell carcinoma. Identifiers: Orphanet 422526, MedGen CN074294, MONDO:0007763, OMIM 144700.
Colorectal cancer. Also called: Malignant Colorectal Neoplasm; Colorectal cancer, somatic. Identifiers: MedGen C0346629, MONDO:0005575, OMIM 114500.
Hereditary cancer-predisposing syndrome. Also called: Tumor predisposition; Hereditary neoplastic syndrome; Neoplastic Syndromes, Hereditary; Hereditary Cancer Syndrome. Identifiers: Orphanet 140162, MedGen C0027672, MeSH D009386, MONDO:0015356.
Birt-Hogg-Dube syndrome. Also called: Birt Hogg Dubé syndrome. Identifiers: Orphanet 122, MedGen C0346010, MONDO:0800444.

Allele frequency attached by ClinVar (database versions not stated): ExAC 0.00001; gnomAD exomes 0.00001; gnomAD 0.00002 and 0.00003; TOPMed 0.00003; ESP Exome Variant Server 0.00008.

Submissions (8):

PreventionGenetics, part of Exact Sciences
Classification: Uncertain significance for FLCN-related condition. Last evaluated: 2026-06-13. Review status: criteria provided, single submitter. Criteria: ACMG Guidelines, 2015. Collection method: clinical testing. Allele origin: germline.
Comment: The FLCN c.1373A>G variant is predicted to result in the amino acid substitution p.Gln458Arg. To our knowledge, this variant has not been reported in the literature. This variant is reported in 0.0026% of alleles in individuals of European (Non-Finnish) descent in gnomAD. This variant has conflicting interpretations of pathogenicity in ClinVar ranging from likely benign to uncertain (Variation ID: 460591). At this time, the clinical significance of this variant is uncertain due to the absence of conclusive functional and genetic evidence.

St. Jude Molecular Pathology, St. Jude Children's Research Hospital
Classification: Uncertain significance for Birt-Hogg-Dube syndrome 1. Last evaluated: 2026-02-11. Review status: criteria provided, single submitter. Criteria: St. Jude Assertion Criteria 2020. Collection method: clinical testing. Allele origin: germline.
Comment: The FLCN c.1373A>G p.(Gln458Arg) missense change has a maximum subpopulation frequency of 0.0026% in gnomAD v2.1.1. The in silico tool REVEL predicts a benign effect on protein function, but to our knowledge this prediction has not been confirmed by functional studies. To our knowledge, this variant has not been reported in individuals with Birt-Hogg-DubÃƒ © syndrome. In summary, the evidence currently available is insufficient to determine the clinical significance of this variant. It has therefore been classified as of uncertain significance.

Labcorp Genetics (formerly Invitae), Labcorp
Classification: Uncertain significance for Birt-Hogg-Dube syndrome. Last evaluated: 2024-12-18. Review status: criteria provided, single submitter. Criteria: Invitae Variant Classification Sherloc (09022015). Collection method: clinical testing. Allele origin: germline.
Comment: This sequence change replaces glutamine, which is neutral and polar, with arginine, which is basic and polar, at codon 458 of the FLCN protein (p.Gln458Arg). This variant is present in population databases (rs150439088, gnomAD 0.002%). This variant has not been reported in the literature in individuals affected with FLCN-related conditions. ClinVar contains an entry for this variant (Variation ID: 460591). Invitae Evidence Modeling of protein sequence and biophysical properties (such as structural, functional, and spatial information, amino acid conservation, physicochemical variation, residue mobility, and thermodynamic stability) indicates that this missense variant is not expected to disrupt FLCN protein function with a negative predictive value of 80%. In summary, the available evidence is currently insufficient to determine the role of this variant in disease. Therefore, it has been classified as a Variant of Uncertain Significance.

GeneDx
Classification: Uncertain significance. Last evaluated: 2024-07-18. Review status: criteria provided, single submitter. Criteria: GeneDx Variant Classification Process June 2021. Collection method: clinical testing. Allele origin: germline. Affected: yes.
Comment: Not observed at significant frequency in large population cohorts (gnomAD); In silico analysis indicates that this missense variant does not alter protein structure/function; Has not been previously published as pathogenic or benign to our knowledge; This variant is associated with the following publications: (PMID: 17028174)

Quest Diagnostics Nichols Institute San Juan Capistrano
Classification: Uncertain significance. Last evaluated: 2024-05-20. Review status: criteria provided, single submitter. Criteria: Quest Diagnostics criteria. Collection method: clinical testing. Allele origin: unknown.
Comment: The FLCN c.1373A>G (p.Gln458Arg) variant has not been reported in individuals with FLCN-related conditions in the published literature. The frequency of this variant in the general population, 0.000026 (3/113720 chromosomes (Genome Aggregation Database)), is uninformative in the assessment of its pathogenicity. Analysis of this variant using bioinformatics tools for the prediction of the effect of amino acid changes on protein structure and function yielded predictions that this variant is benign. Based on the available information, we are unable to determine the clinical significance of this variant.

Fulgent Genetics
Classification: Uncertain significance for Colorectal cancer; Birt-Hogg-Dube syndrome 1; Nonpapillary renal cell carcinoma; Familial spontaneous pneumothorax. Last evaluated: 2024-02-28. Review status: criteria provided, single submitter. Criteria: ACMG Guidelines, 2015. Collection method: clinical testing. Allele origin: germline.

Baylor Genetics
Classification: Uncertain significance for Birt-Hogg-Dube syndrome 1. Last evaluated: 2023-08-25. Review status: criteria provided, single submitter. Criteria: ACMG Guidelines, 2015. Collection method: clinical testing. Allele origin: unknown.

Ambry Genetics
Classification: Likely benign for Hereditary cancer-predisposing syndrome. Last evaluated: 2022-04-21. Review status: criteria provided, single submitter. Criteria: Ambry Variant Classification Scheme 2023. Collection method: clinical testing. Allele origin: germline.

NM_144997.7(FLCN):c.1373A>G (p.Gln458Arg)

Gene: FLCN (folliculin; minus strand). Cytogenetic location: 17p11.2.
Variant type: single nucleotide variant.
Coding change: c.1373A>G on transcript NM_144997.7 (MANE Select); coding-DNA position 1373, A replaced by G.
Protein change: p.Gln458Arg; replaces glutamine 458 with arginine.
Molecular consequence: missense variant.
Genome position (GRCh38, 1-based): chr17:17,215,244, T>C on the plus strand (A>G on the coding strand, the complement: FLCN is on the minus strand). VCF-style: chr17-17215244-T-C. GRCh37 (hg19) VCF-style: chr17-17118558-T-C.
Other names: c.1373A>G (LRG_325t1, NM_144997.6); c.1427A>G, p.Gln476Arg (NM_001353229.2); c.1373A>G, p.Gln458Arg (NM_001353230.2, NM_001353231.2); short protein forms Q458R, Q476R.
Identifiers: ClinVar variation 460591 (VCV000460591.22), dbSNP rs150439088, ClinGen allele CA8416015.